The following is an entry in ClinVar:

NC_012920.1(MT-TC):m.5814T>A

Gene: MT-TC (mitochondrially encoded tRNA cysteine; minus strand).
Variant type: single nucleotide variant.
Genome position: chrM-5814-T-A.
Identifiers: ClinVar variation 690002 (VCV000690002.1), dbSNP rs200077222, ClinGen allele CA913180539.

ClinVar aggregate classification (germline): Likely benign (1 of 4 stars; one submission).

Conditions:
MELAS syndrome (MELAS). Also called: Juvenile myopathy, encephalopathy, lactic acidosis, stroke. Identifiers: Orphanet 550, MedGen C0162671, MONDO:0010789, OMIM 540000.

Submission:

Wong Mito Lab, Molecular and Human Genetics, Baylor College of Medicine
Classification: Likely benign for MELAS syndrome. Last evaluated: 2019-07-12. Review status: criteria provided, single submitter. Criteria: Modified ACMG Guidelines (Unpublished). Collection method: clinical testing. Allele origin: germline.
Comment: The NC_012920.1:m.5814T>A variant in MT-TC gene is interpreted to be a Likely Benign variant based on the modified ACMG guidelines (unpublished). This variant meets the following evidence codes reported in the guidelines: BS1, BP6

Literature cited by the submitters: PubMed 31965079.